The following is an entry in ClinVar:

ClinVar aggregate classification (germline): Uncertain significance. Review status: criteria provided, multiple submitters, no conflicts (2 of 4 stars). 2 submissions from 2 submitters: Uncertain significance (2). Last evaluated 2025-05-04.

Conditions:
Dilated cardiomyopathy 1AA (CMD1AA). Also called: CARDIOMYOPATHY, DILATED, 1AA, WITH OR WITHOUT LEFT VENTRICULAR NONCOMPACTION; CARDIOMYOPATHY, FAMILIAL HYPERTROPHIC, 23, WITH OR WITHOUT LEFT VENTRICULAR NONCOMPACTION; Cardiomyopathy, dilated, 1AA, with or without LVNC. Identifiers: Orphanet 154, MedGen C2677338, MONDO:0012808, OMIM 612158.
Primary familial hypertrophic cardiomyopathy (HCM). Identifiers: Orphanet 99739, MedGen C0949658, MeSH D024741, MONDO:0024573. Inheritance: Various modes of inheritance.
Cardiovascular phenotype. Identifiers: MedGen CN230736.

Allele frequency attached by ClinVar (database versions not stated): TOPMed 0.00001.

Submissions (2):

Labcorp Genetics (formerly Invitae), Labcorp
Classification: Uncertain significance for Primary familial hypertrophic cardiomyopathy; Dilated cardiomyopathy 1AA. Last evaluated: 2025-05-04. Review status: criteria provided, single submitter. Criteria: Invitae Variant Classification Sherloc (09022015). Collection method: clinical testing. Allele origin: germline.
Comment: This sequence change replaces serine, which is neutral and polar, with threonine, which is neutral and polar, at codon 761 of the ACTN2 protein (p.Ser761Thr). This variant is not present in population databases (gnomAD no frequency). This variant has not been reported in the literature in individuals affected with ACTN2-related conditions. ClinVar contains an entry for this variant (Variation ID: 1931808). Invitae Evidence Modeling of protein sequence and biophysical properties (such as structural, functional, and spatial information, amino acid conservation, physicochemical variation, residue mobility, and thermodynamic stability) indicates that this missense variant is not expected to disrupt ACTN2 protein function with a negative predictive value of 95%. In summary, the available evidence is currently insufficient to determine the role of this variant in disease. Therefore, it has been classified as a Variant of Uncertain Significance.

Ambry Genetics
Classification: Uncertain significance for Cardiovascular phenotype. Last evaluated: 2024-08-11. Review status: criteria provided, single submitter. Criteria: Ambry Variant Classification Scheme 2023. Collection method: clinical testing. Allele origin: germline.
Comment: The p.S761T variant (also known as c.2281T>A), located in coding exon 18 of the ACTN2 gene, results from a T to A substitution at nucleotide position 2281. The serine at codon 761 is replaced by threonine, an amino acid with similar properties. This amino acid position is conserved. In addition, the in silico prediction for this alteration is inconclusive. Based on the available evidence, the clinical significance of this variant remains unclear.

NM_001103.4(ACTN2):c.2281T>A (p.Ser761Thr)

Gene: ACTN2 (actinin alpha 2; plus strand). Cytogenetic location: 1q43.
Variant type: single nucleotide variant.
Coding change: c.2281T>A on transcript NM_001103.4 (MANE Select); coding-DNA position 2281, T replaced by A.
Protein change: p.Ser761Thr; replaces serine 761 with threonine.
Molecular consequence: missense variant.
Genome position (GRCh38, 1-based): chr1:236,757,612, T>A. VCF-style: chr1-236757612-T-A. GRCh37 (hg19) VCF-style: chr1-236920912-T-A.
Other names: c.2281T>A, p.Ser761Thr (NM_001278343.2); c.1657T>A, p.Ser553Thr (NM_001278344.2); c.1531T>A, p.Ser511Thr (NM_001412150.1); c.2281T>A (NM_001103.2); short protein forms S511T, S553T, S761T.
Identifiers: ClinVar variation 1931808 (VCV001931808.6), dbSNP rs1042163163, ClinGen allele CA39743901.
Genomic context (GRCh38, chr1:236,757,612, plus strand): 5'-CAGATCCTGACGAGAGATGCGAAGGGCATCACCCAGGAGCAGATGAATGAGTTCAGAGCC[T>A]CCTTCAACCACTTTGACAGGGTACCACTCTCTACTTATTTGAAGGGCAATACTGGGGACA-3'
Protein context (NP_001094.1, residues 751-771): TQEQMNEFRA[Ser761Thr]FNHFDRRKNG